The following is an entry in ClinVar:

ClinVar aggregate classification (germline): Pathogenic (1 of 4 stars; one submission).

Conditions:
Ataxia-telangiectasia syndrome (AT). Also called: LOUIS-BAR SYNDROME; Cerebello-oculocutaneous telangiectasia; Immunodeficiency with ataxia telangiectasia; Ataxia telangiectasia (A-T); Ataxia-telangiectasia, complementation group D; AT, COMPLEMENTATION GROUP C. Identifiers: Orphanet 100, MedGen C0004135, MONDO:0008840, OMIM 208900.

Submission:

Labcorp Genetics (formerly Invitae), Labcorp
Classification: Pathogenic for Ataxia-telangiectasia syndrome. Last evaluated: 2022-11-12. Review status: criteria provided, single submitter. Criteria: Invitae Variant Classification Sherloc (09022015). Collection method: clinical testing. Allele origin: germline.
Comment: Algorithms developed to predict the effect of sequence changes on RNA splicing suggest that this variant may create or strengthen a splice site. This sequence change creates a premature translational stop signal (p.Arg2763Glufs*43) in the ATM gene. It is expected to result in an absent or disrupted protein product. Loss-of-function variants in ATM are known to be pathogenic (PMID: 23807571, 25614872). This variant is not present in population databases (gnomAD no frequency). This variant has not been reported in the literature in individuals affected with ATM-related conditions. For these reasons, this variant has been classified as Pathogenic.

Literature cited by the submitters: PubMed 23807571; PubMed 25614872.

NM_000051.4(ATM):c.8287del (p.Arg2763fs)

Genes: ATM (ATM serine/threonine kinase; plus strand), C11orf65 (chromosome 11 open reading frame 65; minus strand). Cytogenetic location: 11q22.3.
Variant type: Deletion.
Coding change: c.8287del on transcript NM_000051.4 (MANE Select); coding-DNA position 8287, one base deleted (C; older notation c.8287delC).
Protein change: p.Arg2763fs; shifts the reading frame from arginine 2763.
Molecular consequence: frameshift variant. On other transcripts: intron variant (2).
Genome position (GRCh38, 1-based): chr11:108,343,240, C deleted. VCF-style (leftmost placement, unchanged base first): chr11-108343239-GC-G. GRCh37 (hg19) VCF-style: chr11-108213966-GC-G.
Other names: c.8287del, p.Arg2763fs (NM_001351834.2); c.641-34169del (NM_001330368.2); c.695-7948del (NM_001351110.2); short protein forms R2763fs.
Identifiers: ClinVar variation 2813919 (VCV002813919.3), dbSNP rs2547415247, ClinGen allele CA2739265981.
Genomic context (GRCh38, chr11:108,343,239, plus strand): 5'-AATGGCCTTTTAAAATTAAAAGGTATTTAATCTGTAACTCCAGGTGGTTCCCCTCTCTCA[GC>G]GAAGTGGTGTTCTTGAATGGTGCACAGGAACTGTCCCCATTGGTGAATTTCTTGTTAACA-3'